The following is an entry in ClinVar:

NM_000283.4(PDE6B):c.415G>T (p.Val139Leu)

Gene: PDE6B (phosphodiesterase 6B; plus strand). Cytogenetic location: 4p16.3.
Variant type: single nucleotide variant.
Coding change: c.415G>T on transcript NM_000283.4 (MANE Select); coding-DNA position 415, G replaced by T.
Protein change: p.Val139Leu; replaces valine 139 with leucine.
Molecular consequence: missense variant.
Genome position (GRCh38, 1-based): chr4:626,041, G>T. VCF-style: chr4-626041-G-T. GRCh37 (hg19) VCF-style: chr4-619830-G-T.
Other names: c.415G>T (NM_000283.3); c.415G>T, p.Val139Leu (NM_001145291.2); short protein forms V139L.
Identifiers: ClinVar variation 1445312 (VCV001445312.8), dbSNP rs545001524, ClinGen allele CA355907138.

ClinVar aggregate classification (germline): Uncertain significance. Review status: criteria provided, multiple submitters, no conflicts (2 of 4 stars). 3 submissions from 3 submitters: Uncertain significance (3). Last evaluated 2025-06-07.

Conditions:
Inborn genetic diseases. Identifiers: MedGen C0950123, MeSH D030342.

gnomAD v4.1: 4 of 1,595,068 alleles (0.00025%); highest among the groups gnomAD compares: East Asian, 0.0045%; no homozygotes.

Submissions (3):

Ambry Genetics
Classification: Uncertain significance for Inborn genetic diseases. Last evaluated: 2025-06-07. Review status: criteria provided, single submitter. Criteria: Ambry Variant Classification Scheme 2023. Collection method: clinical testing. Allele origin: germline.

Labcorp Genetics (formerly Invitae), Labcorp
Classification: Uncertain significance. Last evaluated: 2024-06-08. Review status: criteria provided, single submitter. Criteria: Invitae Variant Classification Sherloc (09022015). Collection method: clinical testing. Allele origin: germline.
Comment: This sequence change replaces valine, which is neutral and non-polar, with leucine, which is neutral and non-polar, at codon 139 of the PDE6B protein (p.Val139Leu). The frequency data for this variant in the population databases is considered unreliable, as metrics indicate poor data quality at this position in the gnomAD database. This variant has not been reported in the literature in individuals affected with PDE6B-related conditions. ClinVar contains an entry for this variant (Variation ID: 1445312). Advanced modeling of protein sequence and biophysical properties (such as structural, functional, and spatial information, amino acid conservation, physicochemical variation, residue mobility, and thermodynamic stability) has been performed at Invitae for this missense variant, however the output from this modeling did not meet the statistical confidence thresholds required to predict the impact of this variant on PDE6B protein function. In summary, the available evidence is currently insufficient to determine the role of this variant in disease. Therefore, it has been classified as a Variant of Uncertain Significance.

Blueprint Genetics
Classification: Uncertain significance. Last evaluated: 2022-12-14. Review status: criteria provided, single submitter. Criteria: ACMG Guidelines, 2015. Collection method: clinical testing. Allele origin: germline.